The following is an entry in ClinVar:

ClinVar aggregate classification (germline): Benign. Review status: criteria provided, multiple submitters, no conflicts (2 of 4 stars). 5 submissions from 5 submitters: Benign (4). 1 of the submissions does not count toward it. Last evaluated 2021-08-10.

Conditions:
Premature ovarian failure 6 (POF6). Identifiers: MedGen C2676742, MONDO:0012861, OMIM 612310.
FIGLA-related condition.

Allele frequency attached by ClinVar (database versions not stated): gnomAD exomes 0.24890 and 0.27874; gnomAD 0.21698 and 0.23009; 1000 Genomes Project 30x 0.31496; 1000 Genomes Project 0.32648; ExAC 0.35643; TOPMed 0.21794.
gnomAD v4.1: 361,466 of 1,463,918 alleles (25%); highest among the groups gnomAD compares: East Asian, 67%; 52,927 homozygotes.

Submissions (5):

Genome-Nilou Lab
Classification: Benign for Premature ovarian failure 6. Last evaluated: 2021-08-10. Review status: criteria provided, single submitter. Criteria: ACMG Guidelines, 2015. Collection method: clinical testing. Allele origin: germline. Affected: no.

Illumina Laboratory Services, Illumina
Classification: Benign for Premature ovarian failure 6. Last evaluated: 2018-01-12. Review status: criteria provided, single submitter. Criteria: ICSL Variant Classification Criteria 13 December 2019. Collection method: clinical testing. Allele origin: germline.
Comment: This variant was observed in the ICSL laboratory as part of a predisposition screen in an ostensibly healthy population. It had not been previously curated by ICSL or reported in the Human Gene Mutation Database (HGMD: prior to June 1st, 2018), and was therefore a candidate for classification through an automated scoring system. Utilizing variant allele frequency, disease prevalence and penetrance estimates, and inheritance mode, an automated score was calculated to assess if this variant is too frequent to cause the disease. Based on the score and internal cut-off values, a variant classified as benign is not then subjected to further curation. The score for this variant resulted in a classification of benign for this disease.

Eurofins Ntd Llc (ga)
Classification: Benign. Last evaluated: 2014-11-15. Review status: criteria provided, single submitter. Criteria: EGL Classification Definitions 2015. Collection method: clinical testing. Allele origin: germline. Observed: 3 variant alleles, 3 heterozygotes.

Breakthrough Genomics
Classification: Benign. Review status: criteria provided, single submitter. Criteria: ACMG Guidelines, 2015. Collection method: not provided. Allele origin: germline. Inheritance: Autosomal dominant inheritance. Affected: yes.

PreventionGenetics, part of Exact Sciences
Classification: Benign for FIGLA-related condition. Last evaluated: 2024-06-21. Review status: no assertion criteria provided. Collection method: clinical testing. Allele origin: germline. Not counted in ClinVar's aggregate classification.
Comment: This variant is classified as benign based on ACMG/AMP sequence variant interpretation guidelines (Richards et al. 2015 PMID: 25741868, with internal and published modifications).

NM_001004311.3(FIGLA):c.*7A>G

Gene: FIGLA (folliculogenesis specific bHLH transcription factor; minus strand). Cytogenetic location: 2p13.3.
Variant type: single nucleotide variant.
Coding change: c.*7A>G on transcript NM_001004311.3 (MANE Select); 7 bases downstream of the stop codon, A replaced by G.
Molecular consequence: 3 prime UTR variant.
Genome position (GRCh38, 1-based): chr2:70,777,360, T>C on the plus strand (A>G on the coding strand, the complement: FIGLA is on the minus strand). VCF-style: chr2-70777360-T-C. GRCh37 (hg19) VCF-style: chr2-71004492-T-C.
Identifiers: ClinVar variation 197699 (VCV000197699.13), dbSNP rs56316086, ClinGen allele CA203029.